The following is an entry in ClinVar:

NM_001257293.2(HNRNPH1):c.1153G>C (p.Ala385Pro)

Genes: HNRNPH1 (heterogeneous nuclear ribonucleoprotein H1; minus strand), LOC128966623 (uncharacterized LOC128966623; plus strand). Cytogenetic location: 5q35.3.
Variant type: single nucleotide variant.
Coding change: c.1153G>C on transcript NM_001257293.2 (MANE Select); coding-DNA position 1153, G replaced by C.
Protein change: p.Ala385Pro; replaces alanine 385 with proline.
Molecular consequence: missense variant. On other transcripts: intron variant (8), splice acceptor variant (1).
Genome position (GRCh38, 1-based): chr5:179,616,923, C>G on the plus strand (G>C on the coding strand, the complement: HNRNPH1 is on the minus strand). VCF-style: chr5-179616923-C-G. GRCh37 (hg19) VCF-style: chr5-179043924-C-G.
Other names: c.1153G>C, p.Ala385Pro (NM_001364225.2, NM_001364226.2, NM_001364227.2 and 16 more transcripts); c.1132G>C, p.Ala378Pro (NM_001364241.2, NM_001364242.2, NM_001364243.2 and 3 more transcripts); c.1093G>C, p.Ala365Pro (NM_001364246.2, NM_001364247.2, NM_001395177.1); c.997G>C, p.Ala333Pro (NM_001364250.2); c.550G>C, p.Ala184Pro (NM_001364251.2, NM_001364252.2, NM_001364253.2 and 4 more transcripts); c.1144G>C, p.Ala382Pro (NM_001395178.1, NM_001395184.1); c.1123G>C, p.Ala375Pro (NM_001395188.1); c.922G>C, p.Ala308Pro (NM_001395190.1); and 6 more; short protein forms A308P, A365P, A385P, A184P, A375P, A378P, A382P, A248P.
Identifiers: ClinVar variation 3106409 (VCV003106409.1), dbSNP rs201696570, ClinGen allele CA362462684.

ClinVar aggregate classification (germline): Uncertain significance (1 of 4 stars; one submission).

Conditions:
Inborn genetic diseases. Identifiers: MedGen C0950123, MeSH D030342.

Submission:

Ambry Genetics
Classification: Uncertain significance for Inborn genetic diseases. Last evaluated: 2023-10-24. Review status: criteria provided, single submitter. Criteria: Ambry Variant Classification Scheme 2023. Collection method: clinical testing. Allele origin: germline.
Comment: The c.1153G>C (p.A385P) alteration is located in exon 11 (coding exon 10) of the HNRNPH1 gene. This alteration results from a G to C substitution at nucleotide position 1153, causing the alanine (A) at amino acid position 385 to be replaced by a proline (P). This variant was not reported in population-based cohorts in the Genome Aggregation Database (gnomAD). This amino acid position is well conserved in available vertebrate species. This missense alteration is located in a region that has a low rate of benign missense variation (Lek, 2016; Firth, 2009). This alteration is predicted to be tolerated by in silico analysis. Based on insufficient or conflicting evidence, the clinical significance of this alteration remains unclear.